The following is an entry in ClinVar:

NM_001195263.2(PDZD7):c.2335C>T (p.Arg779Cys)

Gene: PDZD7 (PDZ domain containing 7; minus strand). Cytogenetic location: 10q24.31.
Variant type: single nucleotide variant.
Coding change: c.2335C>T on transcript NM_001195263.2 (MANE Select); coding-DNA position 2335, C replaced by T.
Protein change: p.Arg779Cys; replaces arginine 779 with cysteine.
Molecular consequence: missense variant.
Genome position (GRCh38, 1-based): chr10:101,010,554, G>A on the plus strand (C>T on the coding strand, the complement: PDZD7 is on the minus strand). VCF-style: chr10-101010554-G-A. GRCh37 (hg19) VCF-style: chr10-102770311-G-A.
Other names: short protein forms R779C.
Identifiers: ClinVar variation 858215 (VCV000858215.7), dbSNP rs1408396864, ClinGen allele CA378224531.
Genomic context (GRCh38, chr10:101,010,554, plus strand): 5'-GGGATGGGGAGCGTCTACCTGGAGACTTGCCTTGACCCCGGCTGCTGCGGCTGCGGCTGC[G>A]GCTACGGCTGCGGCTACGGCTCTGAGCCCGGCCCCGGATCTGGCTCTGCGGAGGGTGCTC-3'
Protein context (NP_001182192.1, residues 769-789): RAQSRSRSRS[Arg779Cys]SRSRSSRGQG

ClinVar aggregate classification (germline): Uncertain significance (1 of 4 stars; one submission).

Allele frequency attached by ClinVar (database versions not stated): gnomAD exomes below 0.00001 and 0.00002; gnomAD 0.00002 and 0.00003; TOPMed 0.00003.
gnomAD v4.1: 8 of 1,491,882 alleles (0.00054%); highest among the groups gnomAD compares: Admixed American, 0.008%; no homozygotes.

Submission:

Labcorp Genetics (formerly Invitae), Labcorp
Classification: Uncertain significance. Last evaluated: 2022-10-13. Review status: criteria provided, single submitter. Criteria: Invitae Variant Classification Sherloc (09022015). Collection method: clinical testing. Allele origin: germline.
Comment: Algorithms developed to predict the effect of missense changes on protein structure and function are either unavailable or do not agree on the potential impact of this missense change (SIFT: "Deleterious"; PolyPhen-2: "Not Available"; Align-GVGD: "Class C0"). In summary, the available evidence is currently insufficient to determine the role of this variant in disease. Therefore, it has been classified as a Variant of Uncertain Significance. ClinVar contains an entry for this variant (Variation ID: 858215). This variant has not been reported in the literature in individuals affected with PDZD7-related conditions. This variant is present in population databases (no rsID available, gnomAD 0.004%). This sequence change replaces arginine, which is basic and polar, with cysteine, which is neutral and slightly polar, at codon 779 of the PDZD7 protein (p.Arg779Cys).